The following is an entry in ClinVar:

NM_003848.4(SUCLG2):c.1136C>A (p.Ala379Asp)

Gene: SUCLG2 (succinate-CoA ligase GDP-forming subunit beta; minus strand). Cytogenetic location: 3p14.1.
Variant type: single nucleotide variant.
Coding change: c.1136C>A on transcript NM_003848.4 (MANE Select); coding-DNA position 1136, C replaced by A.
Protein change: p.Ala379Asp; replaces alanine 379 with aspartic acid.
Molecular consequence: missense variant.
Genome position (GRCh38, 1-based): chr3:67,400,778, G>T on the plus strand (C>A on the coding strand, the complement: SUCLG2 is on the minus strand). VCF-style: chr3-67400778-G-T. GRCh37 (hg19) VCF-style: chr3-67451202-G-T.
Other names: c.1136C>A, p.Ala379Asp (NM_001177599.2); short protein forms A379D.
Identifiers: ClinVar variation 4780251 (VCV004780251.1).
Genomic context (GRCh38, chr3:67,400,778, plus strand): 5'-TACCATGACTCACCTTCAAGCCGGACCACCAGGGGCACCTTGAGTTCTAGCTCCCGGCAG[G>T]CTTTGGTGATCCCATTGGCAATGATGGCACAGTTGACGATACCACCAAATATATTGACAA-3'
Protein context (NP_003839.2, residues 369-389): CAIIANGITK[Ala379Asp]CRELELKVPL

ClinVar aggregate classification (germline): Uncertain significance (1 of 4 stars; one submission).

Submission:

Labcorp Genetics (formerly Invitae), Labcorp
Classification: Uncertain significance. Last evaluated: 2026-01-25. Review status: criteria provided, single submitter. Criteria: Invitae Variant Classification Sherloc (09022015). Collection method: clinical testing. Allele origin: germline.
Comment: This sequence change replaces alanine, which is neutral and non-polar, with aspartic acid, which is acidic and polar, at codon 379 of the SUCLG2 protein (p.Ala379Asp). This variant is not present in population databases (gnomAD no frequency). This variant has not been reported in the literature in individuals affected with SUCLG2-related conditions. An algorithm developed to predict the effect of missense changes on protein structure and function (PolyPhen-2) suggests that this variant is likely to be disruptive. In summary, the available evidence is currently insufficient to determine the role of this variant in disease. Therefore, it has been classified as a Variant of Uncertain Significance.